The following is an entry in ClinVar:

NM_153240.5(NPHP3):c.63G>A (p.Gly21=)

Genes: NPHP3 (nephrocystin 3; minus strand), NPHP3-ACAD11 (NPHP3-ACAD11 readthrough (NMD candidate); minus strand), NPHP3-AS1 (NPHP3 antisense RNA 1; plus strand), LOC129937586 (ATAC-STARR-seq lymphoblastoid silent region 14743; plus strand). Cytogenetic location: 3q22.1.
Variant type: single nucleotide variant.
Coding change: c.63G>A on transcript NM_153240.5 (MANE Select); coding-DNA position 63, G replaced by A.
Protein change: p.Gly21=; no amino-acid change (glycine 21 retained).
Molecular consequence: synonymous variant. On other transcripts: non-coding transcript variant (3).
Genome position (GRCh38, 1-based): chr3:132,722,293, C>T on the plus strand (G>A on the coding strand, the complement: NPHP3 is on the minus strand). VCF-style: chr3-132722293-C-T. GRCh37 (hg19) VCF-style: chr3-132441137-C-T.
Other names: c.63G>A (NM_153240.4).
Identifiers: ClinVar variation 594824 (VCV000594824.7), dbSNP rs748314906, ClinGen allele CA2622717.

ClinVar aggregate classification (germline): Conflicting classifications of pathogenicity. Review status: criteria provided, conflicting classifications (1 of 4 stars). 3 submissions from 3 submitters: Uncertain significance (1); Likely benign (2). Last evaluated 2025-07-17.

Conditions:
NPHP3-related disorder. Also called: NPHP3-related disorders; NPHP3-related condition. Identifiers: MedGen CN379163.
Nephronophthisis. Also called: Juvenile Nephronophthisis. Identifiers: Orphanet 655, MedGen C0687120, MONDO:0019005, HP:0000090.

Allele frequency attached by ClinVar (database versions not stated): gnomAD exomes 0.00001; ExAC 0.00003; gnomAD 0.00003; TOPMed 0.00004.
gnomAD v4.1: 11 of 1,580,190 alleles (0.0007%); highest among the groups gnomAD compares: African/African-American, 0.015%; no homozygotes.

Submissions (3):

PreventionGenetics, part of Exact Sciences
Classification: Likely benign for NPHP3-related condition. Last evaluated: 2025-07-17. Review status: criteria provided, single submitter. Criteria: ACMG Guidelines, 2015. Collection method: clinical testing. Allele origin: germline.
Comment: This variant is classified as likely benign based on ACMG/AMP sequence variant interpretation guidelines (Richards et al. 2015 PMID: 25741868, with internal and published modifications).

Labcorp Genetics (formerly Invitae), Labcorp
Classification: Likely benign for Nephronophthisis. Last evaluated: 2025-03-20. Review status: criteria provided, single submitter. Criteria: Invitae Variant Classification Sherloc (09022015). Collection method: clinical testing. Allele origin: germline.

Eurofins Ntd Llc (ga)
Classification: Uncertain significance. Last evaluated: 2017-11-09. Review status: criteria provided, single submitter. Criteria: EGL Classification Definitions 2015. Collection method: clinical testing. Allele origin: germline. Observed: 1 variant allele, 1 heterozygote.